The following is an entry in ClinVar:

ClinVar aggregate classification (germline): Uncertain significance (1 of 4 stars; one submission).

Conditions:
Focal segmental glomerulosclerosis 5 (FSGS5). Identifiers: Orphanet 656, MedGen C2750475, MONDO:0013191, OMIM 613237.
Charcot-Marie-Tooth disease dominant intermediate E. Also called: CHARCOT-MARIE-TOOTH NEUROPATHY WITH FOCAL SEGMENTAL GLOMERULONEPHRITIS. Identifiers: Orphanet 93114, MedGen C4302667, MONDO:0013758, OMIM 614455.

Allele frequency attached by ClinVar (database versions not stated): gnomAD exomes below 0.00001.
gnomAD v4.1: 1 of 1,613,050 alleles (0.000062%); highest among the groups gnomAD compares: Non-Finnish European, 0.000085%; no homozygotes.

Submission:

Labcorp Genetics (formerly Invitae), Labcorp
Classification: Uncertain significance for Charcot-Marie-Tooth disease dominant intermediate E; Focal segmental glomerulosclerosis 5. Last evaluated: 2022-12-24. Review status: criteria provided, single submitter. Criteria: Invitae Variant Classification Sherloc (09022015). Collection method: clinical testing. Allele origin: germline.
Comment: In summary, the available evidence is currently insufficient to determine the role of this variant in disease. Therefore, it has been classified as a Variant of Uncertain Significance. Algorithms developed to predict the effect of sequence changes on RNA splicing suggest that this variant may disrupt the consensus splice site. This variant has not been reported in the literature in individuals affected with INF2-related conditions. This variant is not present in population databases (gnomAD no frequency). This sequence change affects a donor splice site in intron 10 of the INF2 gene. It is expected to disrupt RNA splicing. Variants that disrupt the donor or acceptor splice site typically lead to a loss of protein function (PMID: 16199547), however the current clinical and genetic evidence is not sufficient to establish whether loss-of-function variants in INF2 cause disease.

Literature cited by the submitters: PubMed 16199547.

NM_022489.4(INF2):c.1949+1G>A

Genes: INF2 (inverted formin 2; plus strand), LOC130056630 (ATAC-STARR-seq lymphoblastoid silent region 6194; plus strand). Cytogenetic location: 14q32.33.
Variant type: single nucleotide variant.
Coding change: c.1949+1G>A on transcript NM_022489.4 (MANE Select); the canonical splice donor site of the intron after coding-DNA position 1949, G replaced by A.
Molecular consequence: splice donor variant.
Genome position (GRCh38, 1-based): chr14:104,708,733, G>A. VCF-style: chr14-104708733-G-A. GRCh37 (hg19) VCF-style: chr14-105175070-G-A.
Other names: c.1949+1G>A (NM_001031714.4).
Identifiers: ClinVar variation 2942671 (VCV002942671.3), dbSNP rs2541926457, ClinGen allele CA391219133.